The following is an entry in ClinVar:

ClinVar aggregate classification (germline): Uncertain significance (1 of 4 stars; one submission).

Conditions:
Curry-Hall syndrome (WAD). Also called: WEYERS ACRODENTAL DYSOSTOSIS. Identifiers: Orphanet 952, MedGen C0457013, MONDO:0008673, OMIM 193530.
Ellis-van Creveld syndrome (EVC). Also called: EVC-Related Ellis-van Creveld Syndrome; EVC2-Related Ellis-van Creveld Syndrome; MESOECTODERMAL DYSPLASIA; Chondroectodermal dysplasia. Identifiers: Orphanet 289, MedGen C0013903, MONDO:0009162, OMIM 225500.

Allele frequency attached by ClinVar (database versions not stated): TOPMed below 0.00001; gnomAD exomes below 0.00001.
gnomAD v4.1: 1 of 1,613,914 alleles (0.000062%); highest among the groups gnomAD compares: Non-Finnish European, 0.000085%; no homozygotes.

Submission:

Labcorp Genetics (formerly Invitae), Labcorp
Classification: Uncertain significance for Curry-Hall syndrome; Ellis-van Creveld syndrome. Last evaluated: 2023-02-14. Review status: criteria provided, single submitter. Criteria: Invitae Variant Classification Sherloc (09022015). Collection method: clinical testing. Allele origin: germline.
Comment: In summary, the available evidence is currently insufficient to determine the role of this variant in disease. Therefore, it has been classified as a Variant of Uncertain Significance. Advanced modeling of protein sequence and biophysical properties (such as structural, functional, and spatial information, amino acid conservation, physicochemical variation, residue mobility, and thermodynamic stability) performed at Invitae indicates that this missense variant is expected to disrupt EVC protein function. This sequence change replaces leucine, which is neutral and non-polar, with glutamine, which is neutral and polar, at codon 211 of the EVC protein (p.Leu211Gln). This variant is not present in population databases (gnomAD no frequency). This variant has not been reported in the literature in individuals affected with EVC-related conditions.

NM_153717.3(EVC):c.632T>A (p.Leu211Gln)

Gene: EVC (EvC ciliary complex subunit 1; plus strand). Cytogenetic location: 4p16.2.
Variant type: single nucleotide variant.
Coding change: c.632T>A on transcript NM_153717.3 (MANE Select); coding-DNA position 632, T replaced by A.
Protein change: p.Leu211Gln; replaces leucine 211 with glutamine.
Molecular consequence: missense variant.
Genome position (GRCh38, 1-based): chr4:5,733,365, T>A. VCF-style: chr4-5733365-T-A. GRCh37 (hg19) VCF-style: chr4-5735092-T-A.
Other names: c.632T>A, p.Leu211Gln (NM_001306090.2, NM_001306092.2); short protein forms L211Q.
Identifiers: ClinVar variation 2935493 (VCV002935493.3), dbSNP rs982677323, ClinGen allele CA91721308.